The following is an entry in ClinVar:

ClinVar aggregate classification (germline): Uncertain significance (1 of 4 stars; one submission).

Submission:

Labcorp Genetics (formerly Invitae), Labcorp
Classification: Uncertain significance. Last evaluated: 2022-12-06. Review status: criteria provided, single submitter. Criteria: Invitae Variant Classification Sherloc (09022015). Collection method: clinical testing. Allele origin: germline.
Comment: In summary, the available evidence is currently insufficient to determine the role of this variant in disease. Therefore, it has been classified as a Variant of Uncertain Significance. Experimental studies and prediction algorithms are not available or were not evaluated, and the functional significance of this variant is currently unknown. ClinVar contains an entry for this variant (Variation ID: 1516340). This variant has not been reported in the literature in individuals affected with RNU4ATAC-related conditions. This variant is not present in population databases (gnomAD no frequency). This variant occurs in the RNU4ATAC gene, which encodes an RNA molecule that does not result in a protein product.

NR_023343.3(RNU4ATAC):n.122dup

Genes: CLASP1 (cytoplasmic linker associated protein 1; minus strand), CLASP1-AS1 (CLASP1 antisense RNA 1; plus strand), RNU4ATAC (RNA, U4atac small nuclear; plus strand). Cytogenetic location: 2q14.2.
Variant type: Duplication.
Molecular consequence: intron variant (on NM_001395891.1).
Genome position: GRCh38 VCF-style: chr2-121530996-A-AT. GRCh37 (hg19) VCF-style: chr2-122288572-A-AT.
Other names: c.196-672dup (NM_001142274.2, NM_015282.3, NM_001378003.1 and 5 more transcripts).
Identifiers: ClinVar variation 1516340 (VCV001516340.5), dbSNP rs1381146456, ClinGen allele CA756092480.